The following is an entry in ClinVar:

NM_004260.4(RECQL4):c.644_645del (p.Glu215fs)

Gene: RECQL4 (RecQ like helicase 4; minus strand). Cytogenetic location: 8q24.3.
Variant type: Microsatellite.
Coding change: c.644_645del on transcript NM_004260.4 (MANE Select); coding-DNA positions 644 to 645, 2 bases deleted (AG; older notation c.644_645delAG).
Protein change: p.Glu215fs; shifts the reading frame from glutamic acid 215.
Molecular consequence: frameshift variant.
Genome position (GRCh38, 1-based): chr8:144,516,474-144,516,475, CT deleted on the plus strand (AG on the coding strand, the reverse complement: RECQL4 is on the minus strand); deleting any 2 consecutive bases within chr8:144,516,474-144,516,477 gives the same sequence; the c. name uses the placement nearest the transcript's 3' end. VCF-style (leftmost placement, unchanged base first): chr8-144516473-CCT-C. GRCh37 (hg19) VCF-style: chr8-145741857-CCT-C.
Other names: c.644_645delAG (NM_004260.3); short protein forms E215fs.
Identifiers: ClinVar variation 649166 (VCV000649166.7), dbSNP rs1586824938, ClinGen allele CA915947404.

ClinVar aggregate classification (germline): Pathogenic/Likely pathogenic. Review status: criteria provided, multiple submitters, no conflicts (2 of 4 stars). 2 submissions from 2 submitters: Pathogenic (1); Likely pathogenic (1). Last evaluated 2023-01-31.

Conditions:
Baller-Gerold syndrome (BGS). Also called: CRANIOSYNOSTOSIS WITH RADIAL DEFECTS. Identifiers: Orphanet 1225, MedGen C0265308, MONDO:0009039, OMIM 218600.
Rothmund-Thomson syndrome type 2 (RTS2). Identifiers: Orphanet 221016, MedGen C5203410, MONDO:0016369, OMIM 268400.
Rapadilino syndrome. Identifiers: Orphanet 3021, MedGen C1849453, MONDO:0009955, OMIM 266280.

Submissions (2):

Labcorp Genetics (formerly Invitae), Labcorp
Classification: Pathogenic for Baller-Gerold syndrome. Last evaluated: 2023-01-31. Review status: criteria provided, single submitter. Criteria: Invitae Variant Classification Sherloc (09022015). Collection method: clinical testing. Allele origin: germline.
Comment: This sequence change creates a premature translational stop signal (p.Glu215Glyfs*9) in the RECQL4 gene. It is expected to result in an absent or disrupted protein product. Loss-of-function variants in RECQL4 are known to be pathogenic (PMID: 12734318, 12952869). This variant is not present in population databases (gnomAD no frequency). This variant has not been reported in the literature in individuals affected with RECQL4-related conditions. ClinVar contains an entry for this variant (Variation ID: 649166). For these reasons, this variant has been classified as Pathogenic.

Fulgent Genetics
Classification: Likely pathogenic for Baller-Gerold syndrome; Rapadilino syndrome; Rothmund-Thomson syndrome type 2. Last evaluated: 2022-05-05. Review status: criteria provided, single submitter. Criteria: ACMG Guidelines, 2015. Collection method: clinical testing. Allele origin: unknown.

Literature cited by the submitters: PubMed 12734318 (cited by Labcorp Genetics (formerly Invitae), Labcorp); PubMed 12952869 (cited by Labcorp Genetics (formerly Invitae), Labcorp).